The following is an entry in ClinVar:

NM_000059.4(BRCA2):c.836G>T (p.Cys279Phe)

Gene: BRCA2 (BRCA2 DNA repair associated; plus strand). Cytogenetic location: 13q13.1.
Variant type: single nucleotide variant.
Coding change: c.836G>T on transcript NM_000059.4 (MANE Select); coding-DNA position 836, G replaced by T.
Protein change: p.Cys279Phe; replaces cysteine 279 with phenylalanine.
Molecular consequence: missense variant.
Genome position (GRCh38, 1-based): chr13:32,332,314, G>T. VCF-style: chr13-32332314-G-T. GRCh37 (hg19) VCF-style: chr13-32906451-G-T.
Other names: 1064G>T; short protein forms C279F.
Identifiers: ClinVar variation 96866 (VCV000096866.18), dbSNP rs431825364, ClinGen allele CA025609.

ClinVar aggregate classification (germline): Conflicting classifications of pathogenicity. Review status: criteria provided, conflicting classifications (1 of 4 stars). 4 submissions from 4 submitters: Uncertain significance (2); Likely benign (1). 1 of the submissions does not count toward it. Last evaluated 2024-03-23.

Conditions:
Hereditary cancer-predisposing syndrome. Also called: Hereditary Cancer Syndrome; Neoplastic Syndromes, Hereditary; Hereditary neoplastic syndrome; Tumor predisposition. Identifiers: Orphanet 140162, MedGen C0027672, MeSH D009386, MONDO:0015356.
Hereditary breast ovarian cancer syndrome. Also called: Breast and ovarian cancer; Hereditary breast and/or ovarian cancer syndrome; Hereditary breast and ovarian cancer; Hereditary breast and ovarian cancer syndrome; Hereditary breast and ovarian cancer syndrome (HBOC); BRCA1- and BRCA2-Associated Hereditary Breast and Ovarian Cancer. Identifiers: Orphanet 145, MedGen C0677776, MeSH D061325, MONDO:0003582. Disease mechanism: loss of function.
Breast-ovarian cancer, familial, susceptibility to, 2 (BROVCA2). Also called: BRCA2 Hereditary Breast and Ovarian Cancer. Identifiers: Orphanet 145, MedGen C2675520, MONDO:0012933, OMIM 612555. Disease mechanism: loss of function.

Allele frequency attached by ClinVar (database versions not stated): gnomAD exomes below 0.00001.
gnomAD v4.1: 2 of 1,605,530 alleles (0.00012%); highest among the groups gnomAD compares: Non-Finnish European, 0.00017%; no homozygotes.

Submissions (4):

Ambry Genetics
Classification: Uncertain significance for Hereditary cancer-predisposing syndrome. Last evaluated: 2024-03-23. Review status: criteria provided, single submitter. Criteria: Ambry Variant Classification Scheme 2023. Collection method: clinical testing. Allele origin: germline.
Comment: The p.C279F variant (also known as c.836G>T), located in coding exon 9 of the BRCA2 gene, results from a G to T substitution at nucleotide position 836. The cysteine at codon 279 is replaced by phenylalanine, an amino acid with highly dissimilar properties. This amino acid position is not well conserved in available vertebrate species. In addition, this alteration is predicted to be tolerated by in silico analysis. Since supporting evidence is limited at this time, the clinical significance of this alteration remains unclear.

University of Washington Department of Laboratory Medicine, University of Washington
Classification: Likely benign for Hereditary cancer-predisposing syndrome. Last evaluated: 2023-03-23. Review status: criteria provided, single submitter. Criteria: Dines et al. (Genet Med. 2020). Collection method: curation. Allele origin: germline.
Comment: Missense variant in a coldspot region where missense variants are very unlikely to be pathogenic (PMID:31911673).

BRCA2 exon 10 coldspot. Reclassification based on statistical prior probability.

Labcorp Genetics (formerly Invitae), Labcorp
Classification: Uncertain significance for Hereditary breast ovarian cancer syndrome. Last evaluated: 2020-02-10. Review status: criteria provided, single submitter. Criteria: Invitae Variant Classification Sherloc (09022015). Collection method: clinical testing. Allele origin: germline.
Comment: In summary, the available evidence is currently insufficient to determine the role of this variant in disease. Therefore, it has been classified as a Variant of Uncertain Significance. Algorithms developed to predict the effect of missense changes on protein structure and function output the following: SIFT: "Tolerated"; PolyPhen-2: "Benign"; Align-GVGD: "Class C0". The phenylalanine amino acid residue is found in multiple mammalian species, suggesting that this missense change does not adversely affect protein function. These predictions have not been confirmed by published functional studies and their clinical significance is uncertain. This variant has not been reported in the literature in individuals with BRCA2-related conditions. ClinVar contains an entry for this variant (Variation ID: 96866). This variant is not present in population databases (ExAC no frequency). This sequence change replaces cysteine with phenylalanine at codon 279 of the BRCA2 protein (p.Cys279Phe). The cysteine residue is weakly conserved and there is a large physicochemical difference between cysteine and phenylalanine.

Sharing Clinical Reports Project (SCRP)
Classification: Uncertain significance for Breast-ovarian cancer, familial 2. Last evaluated: 2012-05-01. Review status: no assertion criteria provided. Collection method: clinical testing. Allele origin: germline. Not counted in ClinVar's aggregate classification.